The following is an entry in ClinVar:

ClinVar aggregate classification (germline): Uncertain significance. Review status: criteria provided, multiple submitters, no conflicts (2 of 4 stars). 3 submissions from 3 submitters: Uncertain significance (2). 1 of the submissions does not count toward it. Last evaluated 2025-10-09.

Conditions:
Retinal dystrophy. Also called: Inherited retinal dystrophy. Identifiers: Orphanet 71862, MedGen C0854723, MeSH D058499, MONDO:0019118, HP:0000556.

Submissions (3):

Labcorp Genetics (formerly Invitae), Labcorp
Classification: Uncertain significance. Last evaluated: 2025-10-09. Review status: criteria provided, single submitter. Criteria: Invitae Variant Classification Sherloc (09022015). Collection method: clinical testing. Allele origin: germline.
Comment: This sequence change replaces methionine, which is neutral and non-polar, with isoleucine, which is neutral and non-polar, at codon 1382 of the SNRNP200 protein (p.Met1382Ile). This variant is not present in population databases (gnomAD no frequency). This variant has not been reported in the literature in individuals affected with SNRNP200-related conditions. ClinVar contains an entry for this variant (Variation ID: 3249110). Invitae Evidence Modeling of protein sequence and biophysical properties (such as structural, functional, and spatial information, amino acid conservation, physicochemical variation, residue mobility, and thermodynamic stability) indicates that this missense variant is not expected to disrupt SNRNP200 protein function with a negative predictive value of 95%. In summary, the available evidence is currently insufficient to determine the role of this variant in disease. Therefore, it has been classified as a Variant of Uncertain Significance.

CeGaT Center for Human Genetics Tuebingen
Classification: Uncertain significance. Last evaluated: 2025-08-01. Review status: criteria provided, single submitter. Criteria: CeGaT Center For Human Genetics Tuebingen Variant Classification Criteria Version 2. Collection method: clinical testing. Allele origin: germline. Affected: yes. Observed: 1 variant allele.
Comment: SNRNP200: PM2

Institute of Human Genetics, Univ. Regensburg, Univ. Regensburg
Classification: Uncertain significance for Retinal dystrophy. Last evaluated: 2022-01-01. Review status: no assertion criteria provided. Criteria: ACMG Guidelines, 2015. Collection method: clinical testing. Allele origin: germline. Affected: yes. Not counted in ClinVar's aggregate classification.

NM_014014.5(SNRNP200):c.4146G>A (p.Met1382Ile)

Gene: SNRNP200 (small nuclear ribonucleoprotein U5 subunit 200; minus strand). Cytogenetic location: 2q11.2.
Variant type: single nucleotide variant.
Coding change: c.4146G>A on transcript NM_014014.5 (MANE Select); coding-DNA position 4146, G replaced by A.
Protein change: p.Met1382Ile; replaces methionine 1382 with isoleucine.
Molecular consequence: missense variant.
Genome position (GRCh38, 1-based): chr2:96,285,198, C>T on the plus strand (G>A on the coding strand, the complement: SNRNP200 is on the minus strand). VCF-style: chr2-96285198-C-T. GRCh37 (hg19) VCF-style: chr2-96950936-C-T.
Other names: short protein forms M1382I.
Identifiers: ClinVar variation 3249110 (VCV003249110.10).
Genomic context (GRCh38, chr2:96,285,198, plus strand): 5'-ATGCTTCTTGGGAAATTCACATGACACAGCGCCACGTCATACCTGCTCTGCCAGGGCCTC[C>T]ATGGGGGTGATGTACACACAGCGCCCCTCCGAGCTCTGCAGCAGCATTCGCAGGATGGCA-3'
Protein context (NP_054733.2, residues 1372-1392): SEGRCVYITP[Met1382Ile]EALAEQVYMD